The following is an entry in ClinVar:

NM_001999.4(FBN2):c.3592T>C (p.Cys1198Arg)

Gene: FBN2 (fibrillin 2; minus strand). Cytogenetic location: 5q23.3.
Variant type: single nucleotide variant.
Coding change: c.3592T>C on transcript NM_001999.4 (MANE Select); coding-DNA position 3592, T replaced by C.
Protein change: p.Cys1198Arg; replaces cysteine 1198 with arginine.
Molecular consequence: missense variant.
Genome position (GRCh38, 1-based): chr5:128,338,003, A>G on the plus strand (T>C on the coding strand, the complement: FBN2 is on the minus strand). VCF-style: chr5-128338003-A-G. GRCh37 (hg19) VCF-style: chr5-127673695-A-G.
Other names: short protein forms C1198R.
Identifiers: ClinVar variation 930869 (VCV000930869.3), dbSNP rs1750891403, ClinGen allele CA360759098.

ClinVar aggregate classification (germline): Likely pathogenic (1 of 4 stars; one submission).

Conditions:
Macular degeneration, early-onset (EOMD). Identifiers: MedGen C4015286, MONDO:0014501, OMIM 616118.

Submission:

Centre for Mendelian Genomics, University Medical Centre Ljubljana
Classification: Likely pathogenic for Macular degeneration, early-onset. Last evaluated: 2018-10-29. Review status: criteria provided, single submitter. Criteria: ACMG Guidelines, 2015. Collection method: clinical testing. Allele origin: unknown. Affected: yes.
Comment: This variant was classified as: Likely pathogenic. The following ACMG criteria were applied in classifying this variant: PM1,PM2,PM5,PP3.